The following is an entry in ClinVar:

NM_001292063.2(OTOG):c.769G>A (p.Val257Ile)

Gene: OTOG (otogelin; plus strand). Cytogenetic location: 11p15.1.
Variant type: single nucleotide variant.
Coding change: c.769G>A on transcript NM_001292063.2 (MANE Select); coding-DNA position 769, G replaced by A.
Protein change: p.Val257Ile; replaces valine 257 with isoleucine.
Molecular consequence: missense variant.
Genome position (GRCh38, 1-based): chr11:17,557,227, G>A. VCF-style: chr11-17557227-G-A. GRCh37 (hg19) VCF-style: chr11-17578774-G-A.
Other names: c.805G>A, p.Val269Ile (NM_001277269.2); c.[805G>A] (NM_001277269.2); short protein forms V269I, V257I.
Identifiers: ClinVar variation 226914 (VCV000226914.20), dbSNP rs61978648, ClinGen allele CA5905400.

ClinVar aggregate classification (germline): Conflicting classifications of pathogenicity. Review status: criteria provided, conflicting classifications (1 of 4 stars). 6 submissions from 6 submitters: Uncertain significance (1); Benign (4). 1 of the submissions does not count toward it. Last evaluated 2026-01-27.

Conditions:
OTOG-related disorder. Also called: OTOG-related condition.
Meniere disease. Also called: Ménière's disease. Identifiers: MedGen C0025281, MONDO:0007972, OMIM 156000.

Allele frequency attached by ClinVar (database versions not stated): ExAC 0.00801; gnomAD exomes 0.00836; gnomAD 0.02057 and 0.02169; 1000 Genomes Project 0.02077; 1000 Genomes Project 30x 0.02171; TOPMed 0.02436.

Submissions (6):

Labcorp Genetics (formerly Invitae), Labcorp
Classification: Benign. Last evaluated: 2026-01-27. Review status: criteria provided, single submitter. Criteria: Invitae Variant Classification Sherloc (09022015). Collection method: clinical testing. Allele origin: germline.

Otology & Neurotology- Genomics of vestibular disorders (CTS-495), Jose Antonio López Escámez, Centro Pfizer - Universidad de Granada - Junta de Andalucía de Genómica e Investigación Oncológica (GENYO)
Classification: Uncertain significance for Meniere disease. Last evaluated: 2020-01-01. Review status: criteria provided, single submitter. Criteria: ACMG Guidelines, 2015. Collection method: case-control. Allele origin: germline. Affected: yes. Observed: 6 variant alleles, 6 heterozygotes. Clinical features observed: Sensorineural hearing loss (HP:0000407), Vertigo (HP:0002321), Tinnitus (HP:0000360).

Athena Diagnostics
Classification: Benign. Last evaluated: 2018-08-31. Review status: criteria provided, single submitter. Criteria: Athena Diagnostics Criteria. Collection method: clinical testing. Allele origin: germline.

GeneDx
Classification: Benign. Last evaluated: 2018-02-26. Review status: criteria provided, single submitter. Criteria: GeneDx Variant Classification (06012015). Collection method: clinical testing. Allele origin: germline. Affected: yes.
Comment: This variant is considered likely benign or benign based on one or more of the following criteria: it is a conservative change, it occurs at a poorly conserved position in the protein, it is predicted to be benign by multiple in silico algorithms, and/or has population frequency not consistent with disease.

Laboratory for Molecular Medicine, Mass General Brigham Personalized Medicine
Classification: Benign. Last evaluated: 2014-11-24. Review status: criteria provided, single submitter. Criteria: LMM Criteria. Collection method: clinical testing. Allele origin: germline. Observed: 33 variant alleles.
Comment: Val269Ile in exon 7 of OTOG: This variant is not expected to have clinical signi ficance because it has been identified in 7.4% (13/176) of Yoruba (Nigerian) chr omosomes from a broad population by the 1000 Genomes Project (m.; dbSNP rs61978648).

PreventionGenetics, part of Exact Sciences
Classification: Benign for OTOG-related condition. Last evaluated: 2019-08-01. Review status: no assertion criteria provided. Collection method: clinical testing. Allele origin: germline. Not counted in ClinVar's aggregate classification.
Comment: This variant is classified as benign based on ACMG/AMP sequence variant interpretation guidelines (Richards et al. 2015 PMID: 25741868, with internal and published modifications).